The following is an entry in ClinVar:

ClinVar aggregate classification (germline): Uncertain significance. Review status: criteria provided, multiple submitters, no conflicts (2 of 4 stars). 2 submissions from 2 submitters: Uncertain significance (2). Last evaluated 2025-08-03.

Conditions:
Inborn genetic diseases. Identifiers: MedGen C0950123, MeSH D030342.

gnomAD v4.1: 42 of 1,613,964 alleles (0.0026%); highest among the groups gnomAD compares: African/African-American, 0.016%; 2 homozygotes.

Submissions (2):

Ambry Genetics
Classification: Uncertain significance for Inborn genetic diseases. Last evaluated: 2025-08-03. Review status: criteria provided, single submitter. Criteria: Ambry Variant Classification Scheme 2023. Collection method: clinical testing. Allele origin: germline.

GeneDx
Classification: Uncertain significance. Last evaluated: 2024-09-23. Review status: criteria provided, single submitter. Criteria: GeneDx Variant Classification Process June 2021. Collection method: clinical testing. Allele origin: germline. Affected: yes.
Comment: In silico analysis supports that this missense variant has a deleterious effect on protein structure/function; Has not been previously published as pathogenic or benign to our knowledge

NM_005050.4(ABCD4):c.1022C>T (p.Thr341Met)

Gene: ABCD4 (ATP binding cassette subfamily D member 4; minus strand). Cytogenetic location: 14q24.3.
Variant type: single nucleotide variant.
Coding change: c.1022C>T on transcript NM_005050.4 (MANE Select); coding-DNA position 1022, C replaced by T.
Protein change: p.Thr341Met; replaces threonine 341 with methionine.
Molecular consequence: missense variant. On other transcripts: non-coding transcript variant (10).
Genome position (GRCh38, 1-based): chr14:74,292,557, G>A on the plus strand (C>T on the coding strand, the complement: ABCD4 is on the minus strand). VCF-style: chr14-74292557-G-A. GRCh37 (hg19) VCF-style: chr14-74759260-G-A.
Other names: c.896C>T, p.Thr299Met (NM_001353591.2, NM_001353592.2); c.761C>T, p.Thr254Met (NM_001353593.2); c.710C>T, p.Thr237Met (NM_001353594.2); c.608C>T, p.Thr203Met (NM_001353595.2, NM_001353596.2); c.557C>T, p.Thr186Met (NM_001353597.2); c.545C>T, p.Thr182Met (NM_001353598.2, NM_001353599.2, NM_001353600.2 and 2 more transcripts); c.233C>T, p.Thr78Met (NM_001353602.2, NM_001353603.2, NM_001353604.2 and 6 more transcripts); c.1022C>T, p.Thr341Met (NM_020325.3); short protein forms T182M, T186M, T203M, T237M, T254M, T299M, T341M, T78M.
Identifiers: ClinVar variation 3773934 (VCV003773934.2).